The following is an entry in ClinVar:

ClinVar aggregate classification (germline): Uncertain significance (1 of 4 stars; one submission).

Allele frequency attached by ClinVar (database versions not stated): gnomAD exomes below 0.00001; TOPMed below 0.00001.
gnomAD v4.1: 6 of 1,614,158 alleles (0.00037%); highest among the groups gnomAD compares: Non-Finnish European, 0.00042%; no homozygotes.

Submission:

Labcorp Genetics (formerly Invitae), Labcorp
Classification: Uncertain significance. Last evaluated: 2020-10-19. Review status: criteria provided, single submitter. Criteria: Invitae Variant Classification Sherloc (09022015). Collection method: clinical testing. Allele origin: germline.
Comment: In summary, the available evidence is currently insufficient to determine the role of this variant in disease. Therefore, it has been classified as a Variant of Uncertain Significance. Algorithms developed to predict the effect of missense changes on protein structure and function are either unavailable or do not agree on the potential impact of this missense change (SIFT: "Deleterious"; PolyPhen-2: "Not Available"; Align-GVGD: "Class C0"). This variant has not been reported in the literature in individuals with PDZD7-related conditions. This variant is not present in population databases (ExAC no frequency). This sequence change replaces leucine with proline at codon 31 of the PDZD7 protein (p.Leu31Pro). The leucine residue is moderately conserved and there is a moderate physicochemical difference between leucine and proline.

NM_001195263.2(PDZD7):c.92T>C (p.Leu31Pro)

Gene: PDZD7 (PDZ domain containing 7; minus strand). Cytogenetic location: 10q24.31.
Variant type: single nucleotide variant.
Coding change: c.92T>C on transcript NM_001195263.2 (MANE Select); coding-DNA position 92, T replaced by C.
Protein change: p.Leu31Pro; replaces leucine 31 with proline.
Molecular consequence: missense variant.
Genome position (GRCh38, 1-based): chr10:101,030,128, A>G on the plus strand (T>C on the coding strand, the complement: PDZD7 is on the minus strand). VCF-style: chr10-101030128-A-G. GRCh37 (hg19) VCF-style: chr10-102789885-A-G.
Other names: c.92T>C, p.Leu31Pro (NM_001351044.2, NM_024895.5); short protein forms L31P.
Identifiers: ClinVar variation 1001208 (VCV001001208.6), dbSNP rs1366770769, ClinGen allele CA378231410.